The following is an entry in ClinVar:

ClinVar aggregate classification (germline): Pathogenic/Likely pathogenic. Review status: criteria provided, multiple submitters, no conflicts (2 of 4 stars). 2 submissions from 2 submitters: Pathogenic (1); Likely pathogenic (1). Last evaluated 2025-11-19.

Conditions:
Hereditary factor XI deficiency disease. Also called: PLASMA THROMBOPLASTIN ANTECEDENT DEFICIENCY; PTA DEFICIENCY; ROSENTHAL SYNDROME; Congenital factor XI deficiency. Identifiers: Orphanet 329, MedGen C0015523, MeSH D005173, MONDO:0012897, OMIM 612416.
Plasma factor XI deficiency.

Submissions (2):

Natera, Inc.
Classification: Likely pathogenic for Plasma factor XI deficiency. Last evaluated: 2025-11-19. Review status: criteria provided, single submitter. Criteria: Natera Variant Classification Schema (03/2026). Collection method: clinical testing. Allele origin: germline.
Comment: The c.1556G>C variant in F11 is a missense variant predicted to cause substitution of tryptophan to serine at amino acid 519. This variant is rare in the general population with a frequency below the threshold expected for the associated phenotype(s). This variant has been observed in one or more individuals affected with the associated recessive disease, as either homozygous or compound heterozygous with a second variant (PMID: 30950027, 38835089, 27067486). A different variant at the same position has been determined to be Pathogenic or Likely Pathogenic. Computational prediction algorithms indicate this variant is likely to affect gene or protein function. Given the available evidence, this variant is classified as Likely Pathogenic.

Juno Genomics, Hangzhou Juno Genomics, Inc
Classification: Pathogenic for Hereditary factor XI deficiency disease. Review status: criteria provided, single submitter. Criteria: ACMG Guidelines, 2015. Collection method: clinical testing. Allele origin: germline.
Comment: Absent from controls (or at extremely low frequency if recessive) in Genome Aggregation Database.;Multiple lines of computational evidence support a deleterious effect on the gene or gene product.;For recessive disorders, detected in trans with a pathogenic variant.;Patient's phenotype or family history is highly specific for a disease with a single genetic etiology.

Literature cited by the submitters: PubMed 30950027 (cited by Natera, Inc.); PubMed 38835089 (cited by Natera, Inc.); PubMed 27067486 (cited by Natera, Inc.).

NM_000128.4(F11):c.1556G>C (p.Trp519Ser)

Genes: F11 (coagulation factor XI; plus strand), F11-AS1 (F11 antisense RNA 1; minus strand). Cytogenetic location: 4q35.2.
Variant type: single nucleotide variant.
Coding change: c.1556G>C on transcript NM_000128.4 (MANE Select); coding-DNA position 1556, G replaced by C.
Protein change: p.Trp519Ser; replaces tryptophan 519 with serine.
Molecular consequence: missense variant. On other transcripts: intron variant (4).
Genome position (GRCh38, 1-based): chr4:186,286,490, G>C. VCF-style: chr4-186286490-G-C. GRCh37 (hg19) VCF-style: chr4-187207644-G-C.
Other names: c.1210+677G>C (NM_001440607.1); c.1162+677G>C (NM_001440608.1); c.1508G>C, p.Trp503Ser (NM_001440590.1); c.1286G>C, p.Trp429Ser (NM_001440605.1); c.1238G>C, p.Trp413Ser (NM_001440606.1); c.1480+677G>C (NM_001440593.1); c.1432+677G>C (NM_001440596.1); short protein forms W413S, W429S, W503S, W519S.
Identifiers: ClinVar variation 4817493 (VCV004817493.3).